The following is an entry in ClinVar:

ClinVar aggregate classification (germline): Uncertain significance (1 of 4 stars; one submission).

Conditions:
Osteogenesis imperfecta type I (OI1). Also called: OI, TYPE I; OSTEOGENESIS IMPERFECTA TARDA; OSTEOGENESIS IMPERFECTA WITH BLUE SCLERAE; Osteogenesis imperfecta type 1; Lobstein's Disease; Lobstein disease. Identifiers: Orphanet 216796, Orphanet 666, MedGen C0023931, MONDO:0008146, OMIM 166200. Disease mechanism: loss of function.
Ehlers-Danlos syndrome, classic type, 1 (EDSCL1). Also called: EHLERS-DANLOS SYNDROME, GRAVIS TYPE; EHLERS-DANLOS SYNDROME, SEVERE CLASSIC TYPE; Ehlers-Danlos syndrome, type 1; EDS I; Ehlers-Danlos Syndrome, Classic Type, COL5A1-Related. Identifiers: MedGen C0268335, MONDO:0019567, OMIM 130000.

Submission:

Labcorp Genetics (formerly Invitae), Labcorp
Classification: Uncertain significance for Osteogenesis imperfecta type I; Ehlers-Danlos syndrome, classic type, 1. Last evaluated: 2021-06-22. Review status: criteria provided, single submitter. Criteria: Invitae Variant Classification Sherloc (09022015). Collection method: clinical testing. Allele origin: germline.
Comment: This variant has not been reported in the literature in individuals affected with COL1A2-related conditions. This sequence change replaces glutamic acid with glycine at codon 980 of the COL1A2 protein (p.Glu980Gly). The glutamic acid residue is highly conserved and there is a moderate physicochemical difference between glutamic acid and glycine. This variant is not present in population databases (ExAC no frequency). Algorithms developed to predict the effect of missense changes on protein structure and function are either unavailable or do not agree on the potential impact of this missense change (SIFT: "Deleterious"; PolyPhen-2: "Not Available"; Align-GVGD: "Class C0"). In summary, the available evidence is currently insufficient to determine the role of this variant in disease. Therefore, it has been classified as a Variant of Uncertain Significance.

NM_000089.4(COL1A2):c.2939A>G (p.Glu980Gly)

Gene: COL1A2 (collagen type I alpha 2 chain; plus strand). Cytogenetic location: 7q21.3.
Variant type: single nucleotide variant.
Coding change: c.2939A>G on transcript NM_000089.4 (MANE Select); coding-DNA position 2939, A replaced by G.
Protein change: p.Glu980Gly; replaces glutamic acid 980 with glycine.
Molecular consequence: missense variant.
Genome position (GRCh38, 1-based): chr7:94,425,853, A>G. VCF-style: chr7-94425853-A-G. GRCh37 (hg19) VCF-style: chr7-94055165-A-G.
Other names: short protein forms E980G.
Identifiers: ClinVar variation 1363062 (VCV001363062.8), dbSNP rs2115952651, ClinGen allele CA368224927.